The following is an entry in ClinVar:

ClinVar aggregate classification (germline): Uncertain significance (1 of 4 stars; one submission).

Submission:

GeneDx
Classification: Uncertain significance. Last evaluated: 2025-09-17. Review status: criteria provided, single submitter. Criteria: GeneDx Variant Classification Process June 2021. Collection method: clinical testing. Allele origin: germline.
Comment: Not observed at significant frequency in large population cohorts (gnomAD); In silico analysis supports that this missense variant has a deleterious effect on protein structure/function; Has not been previously published as pathogenic or benign to our knowledge

NM_000142.5(FGFR3):c.1964G>C (p.Arg655Pro)

Gene: FGFR3 (fibroblast growth factor receptor 3; plus strand). Cytogenetic location: 4p16.3.
Variant type: single nucleotide variant.
Coding change: c.1964G>C on transcript NM_000142.5 (MANE Select); coding-DNA position 1964, G replaced by C.
Protein change: p.Arg655Pro; replaces arginine 655 with proline.
Molecular consequence: missense variant. On other transcripts: non-coding transcript variant (1), intron variant (1).
Genome position (GRCh38, 1-based): chr4:1,806,261, G>C. VCF-style: chr4-1806261-G-C. GRCh37 (hg19) VCF-style: chr4-1807988-G-C.
Other names: c.1970G>C, p.Arg657Pro (NM_001163213.2); c.1967G>C, p.Arg656Pro (NM_001354809.2); c.1628G>C, p.Arg543Pro (NM_022965.4); c.1962+88G>C (NM_001354810.2); short protein forms R543P, R655P, R656P, R657P.
Identifiers: ClinVar variation 3368827 (VCV003368827.2).